The following is an entry in ClinVar:

NM_153766.3(KCNJ1):c.906G>A (p.Trp302Ter)

Gene: KCNJ1 (potassium inwardly rectifying channel subfamily J member 1; minus strand). Cytogenetic location: 11q24.3.
Variant type: single nucleotide variant.
Coding change: c.906G>A on transcript NM_153766.3 (MANE Select); coding-DNA position 906, G replaced by A.
Protein change: p.Trp302Ter; replaces tryptophan 302 with a stop codon.
Molecular consequence: nonsense.
Genome position (GRCh38, 1-based): chr11:128,839,338, C>T on the plus strand (G>A on the coding strand, the complement: KCNJ1 is on the minus strand). VCF-style: chr11-128839338-C-T. GRCh37 (hg19) VCF-style: chr11-128709233-C-T.
Other names: c.963G>A, p.Trp321Ter (NM_000220.6); c.906G>A, p.Trp302Ter (NM_153764.3, NM_153767.4); c.957G>A, p.Trp319Ter (NM_153765.3); short protein forms W302*, W321*, W319*.
Identifiers: ClinVar variation 2697319 (VCV002697319.3), dbSNP rs2497567195, ClinGen allele CA383243348.

ClinVar aggregate classification (germline): Pathogenic (1 of 4 stars; one submission).

Submission:

Labcorp Genetics (formerly Invitae), Labcorp
Classification: Pathogenic. Last evaluated: 2024-10-03. Review status: criteria provided, single submitter. Criteria: Invitae Variant Classification Sherloc (09022015). Collection method: clinical testing. Allele origin: germline.
Comment: This sequence change creates a premature translational stop signal (p.Trp321*) in the KCNJ1 gene. While this is not anticipated to result in nonsense mediated decay, it is expected to disrupt the last 71 amino acid(s) of the KCNJ1 protein. This variant is not present in population databases (gnomAD no frequency). This variant has not been reported in the literature in individuals affected with KCNJ1-related conditions. This variant disrupts a region of the KCNJ1 protein in which other variant(s) (p.His354Serfs*8) have been determined to be pathogenic (PMID: 11318951). This suggests that this is a clinically significant region of the protein, and that variants that disrupt it are likely to be disease-causing. For these reasons, this variant has been classified as Pathogenic.

Literature cited by the submitters: PubMed 11318951.